The following is an entry in ClinVar:

ClinVar aggregate classification (germline): Benign/Likely benign. Review status: criteria provided, multiple submitters, no conflicts (2 of 4 stars). 3 submissions from 3 submitters: Benign (1); Likely benign (2). Last evaluated 2025-03-09.

Conditions:
Lynch syndrome 4 (LYNCH4). Also called: Colorectal cancer, hereditary nonpolyposis, type 4; Hereditary non-polyposis colorectal cancer, type 4. Identifiers: Orphanet 144, MedGen C1838333, MONDO:0013699, OMIM 614337. Disease mechanism: loss of function.
Hereditary cancer-predisposing syndrome. Also called: Hereditary Cancer Syndrome; Neoplastic Syndromes, Hereditary; Tumor predisposition; Hereditary neoplastic syndrome. Identifiers: Orphanet 140162, MedGen C0027672, MeSH D009386, MONDO:0015356.
Hereditary nonpolyposis colorectal neoplasms. Identifiers: MedGen C0009405, MeSH D003123.

Allele frequency attached by ClinVar (database versions not stated): gnomAD exomes below 0.00001.
gnomAD v4.1: 4 of 1,604,314 alleles (0.00025%); highest among the groups gnomAD compares: Non-Finnish European, 0.00034%; 1 homozygote.

Submissions (3):

Labcorp Genetics (formerly Invitae), Labcorp
Classification: Likely benign for Hereditary nonpolyposis colorectal neoplasms. Last evaluated: 2025-03-09. Review status: criteria provided, single submitter. Criteria: Invitae Variant Classification Sherloc (09022015). Collection method: clinical testing. Allele origin: germline.

Myriad Genetics, Inc.
Classification: Benign for Lynch syndrome 4. Last evaluated: 2025-02-03. Review status: criteria provided, single submitter. Criteria: Myriad Autosomal Dominant, Autosomal Recessive and X-Linked Classification Criteria (2023). Collection method: clinical testing. Allele origin: unknown.
Comment: This variant is considered benign. This variant is a silent/synonymous amino acid change and it is not expected to impact splicing.

Ambry Genetics
Classification: Likely benign for Hereditary cancer-predisposing syndrome. Last evaluated: 2022-01-15. Review status: criteria provided, single submitter. Criteria: Ambry Variant Classification Scheme 2023. Collection method: clinical testing. Allele origin: germline.

NM_000535.7(PMS2):c.2238T>C (p.Phe746=)

Gene: PMS2 (PMS1 homolog 2, mismatch repair system component; minus strand). Cytogenetic location: 7p22.1.
Variant type: single nucleotide variant.
Coding change: c.2238T>C on transcript NM_000535.7 (MANE Select); coding-DNA position 2238, T replaced by C.
Protein change: p.Phe746=; no amino-acid change (phenylalanine 746 retained).
Molecular consequence: synonymous variant. On other transcripts: non-coding transcript variant (1).
Genome position (GRCh38, 1-based): chr7:5,978,633, A>G on the plus strand (T>C on the coding strand, the complement: PMS2 is on the minus strand). VCF-style: chr7-5978633-A-G. GRCh37 (hg19) VCF-style: chr7-6018264-A-G.
Other names: c.1833T>C, p.Phe611= (NM_001322003.2, NM_001322004.2, NM_001322005.2 and 1 more transcripts); c.2082T>C, p.Phe694= (NM_001322006.2); c.1920T>C, p.Phe640= (NM_001322007.2, NM_001322008.2); c.1677T>C, p.Phe559= (NM_001322010.2); c.1305T>C, p.Phe435= (NM_001322011.2, NM_001322012.2); c.1665T>C, p.Phe555= (NM_001322013.2); c.2238T>C, p.Phe746= (NM_001322014.2); c.1929T>C, p.Phe643= (NM_001322015.2).
Identifiers: ClinVar variation 1532182 (VCV001532182.11), dbSNP rs2128682695, ClinGen allele CA453642647.
Genomic context (GRCh38, chr7:5,978,633, plus strand): 5'-TATAGTTCTAATTAATAACTTACCATTTTCATCGATAACAAAATCAAAGCCATTCTTTCT[A>G]AATATTTCCAGATTTTCTATCAGAACAGCTTCATTAACAGCAGTTAAGTTGAGAGTCTGA-3'
Protein context (NP_000526.2, residues 736-756): EAVLIENLEI[Phe746=]RKNGFDFVID